The following is an entry in ClinVar:

ClinVar aggregate classification (germline): Conflicting classifications of pathogenicity. Review status: criteria provided, conflicting classifications (1 of 4 stars). 12 submissions from 8 submitters: Uncertain significance (7); Benign (2); Likely benign (3). Last evaluated 2026-08-06.

Conditions:
TTN-related disorder. Also called: TTN-related condition; TTN-related disease; TTN-related disorders.
Cardiovascular phenotype. Identifiers: MedGen CN230736.
Dilated cardiomyopathy 1G (CMD1G). Identifiers: Orphanet 154, MedGen C1858763, MONDO:0011400, OMIM 604145.
Autosomal recessive limb-girdle muscular dystrophy type 2J (LGMDR10). Also called: Limb-girdle muscular dystrophy, type 2J; MUSCULAR DYSTROPHY, LIMB-GIRDLE, AUTOSOMAL RECESSIVE 10. Identifiers: Orphanet 140922, MedGen C1837342, MONDO:0012127, OMIM 608807.
Tibial muscular dystrophy (TMD). Also called: Udd Distal Myopathy – Tibial Muscular Dystrophy; UDD MYOPATHY; Tibial muscular dystrophy, tardive. Identifiers: Orphanet 609, MedGen C1838244, MONDO:0010870, OMIM 600334.
Early-onset myopathy with fatal cardiomyopathy (CMYO5). Also called: CONGENITAL MYOPATHY 5 WITH CARDIOMYOPATHY; Salih Myopathy. Identifiers: Orphanet 289377, MedGen C2673677, MONDO:0012714, OMIM 611705. Disease mechanism: loss of function.
Myopathy, myofibrillar, 9, with early respiratory failure (MFM9). Also called: Hereditary myopathy with early respiratory failure; EDSTROM MYOPATHY; MYOPATHY, PROXIMAL, WITH EARLY RESPIRATORY MUSCLE INVOLVEMENT; Myopathy, distal, with early respiratory failure, autosomal dominant. Identifiers: Orphanet 178464, Orphanet 34521, MedGen C1863599, MONDO:0011362, OMIM 603689.

Allele frequency attached by ClinVar (database versions not stated): gnomAD 0.00004 and 0.00005; TOPMed 0.00004; ExAC 0.00008; gnomAD exomes 0.00008.
gnomAD v4.1: 95 of 1,614,128 alleles (0.0059%); highest among the groups gnomAD compares: Middle Eastern, 0.033%; no homozygotes.

Submissions (12):

PreventionGenetics, part of Exact Sciences
Classification: Uncertain significance for TTN-related condition. Last evaluated: 2026-08-06. Review status: criteria provided, single submitter. Criteria: ACMG Guidelines, 2015. Collection method: clinical testing. Allele origin: germline.
Comment: The TTN c.2358C>G variant is predicted to result in the amino acid substitution p.His786Gln. This variant has been reported in an individual with dilated cardiomyopathy (Table S3, Mazzarotto et al. 2020. PubMed ID: 31983221). This variant is reported in 0.11% of alleles in individuals of Ashkenazi Jewish descent in gnomAD. Although we suspect that this variant may be benign, at this time, the clinical significance of this variant is uncertain due to the absence of conclusive functional and genetic evidence.

Athena Diagnostics
Classification: Likely benign. Last evaluated: 2025-04-29. Review status: criteria provided, single submitter. Criteria: Athena Diagnostics Criteria. Collection method: clinical testing. Allele origin: unknown.
Comment: The frequency of this variant in the general population is higher than would generally be expected for pathogenic variants in this gene. Computational tools predict this amino acid change may be benign.

Revvity Omics, Revvity
Classification: Uncertain significance. Last evaluated: 2023-06-23. Review status: criteria provided, single submitter. Criteria: ACMG Guidelines, 2015. Collection method: clinical testing. Allele origin: germline.

GeneDx
Classification: Likely benign. Last evaluated: 2021-05-06. Review status: criteria provided, single submitter. Criteria: GeneDx Variant Classification Process June 2021. Collection method: clinical testing. Allele origin: germline. Affected: yes.
Comment: This variant is associated with the following publications: (PMID: 31983221)

Ambry Genetics
Classification: Likely benign for Cardiovascular phenotype. Last evaluated: 2019-09-12. Review status: criteria provided, single submitter. Criteria: Ambry Variant Classification Scheme 2023. Collection method: clinical testing. Allele origin: germline.

Illumina Laboratory Services, Illumina
Classification: Uncertain significance for Autosomal recessive limb-girdle muscular dystrophy type 2J. Last evaluated: 2017-04-27. Review status: criteria provided, single submitter. Criteria: ICSL Variant Classification Criteria 13 December 2019. Collection method: clinical testing. Allele origin: germline.

Illumina Laboratory Services, Illumina
Classification: Benign for Myopathy, myofibrillar, 9, with early respiratory failure. Last evaluated: 2017-04-27. Review status: criteria provided, single submitter. Criteria: ICSL Variant Classification Criteria 13 December 2019. Collection method: clinical testing. Allele origin: germline.
Comment: This variant was observed as part of a predisposition screen in an ostensibly healthy population. A literature search was performed for the gene, cDNA change, and amino acid change (where applicable). No publications were found based on this search. Allele frequency data from public databases was too high to be consistent with this variant causing disease. Therefore, this variant is classified as benign.

Illumina Laboratory Services, Illumina
Classification: Uncertain significance for Dilated cardiomyopathy 1G. Last evaluated: 2017-04-27. Review status: criteria provided, single submitter. Criteria: ICSL Variant Classification Criteria 13 December 2019. Collection method: clinical testing. Allele origin: germline.
Comment: This variant was observed as part of a predisposition screen in an ostensibly healthy population. A literature search was performed for the gene, cDNA change, and amino acid change (where applicable). Publications were found based on this search. However, the evidence from the literature, in combination with allele frequency data from public databases where available, was not sufficient to rule this variant in or out of causing disease. Therefore, this variant is classified as a variant of unknown significance.

Illumina Laboratory Services, Illumina
Classification: Benign for Tibial muscular dystrophy. Last evaluated: 2017-04-27. Review status: criteria provided, single submitter. Criteria: ICSL Variant Classification Criteria 13 December 2019. Collection method: clinical testing. Allele origin: germline.
Comment: the same text as in the submission from Illumina Laboratory Services, Illumina above.

Illumina Laboratory Services, Illumina
Classification: Uncertain significance for Early-onset myopathy with fatal cardiomyopathy. Last evaluated: 2017-04-27. Review status: criteria provided, single submitter. Criteria: ICSL Variant Classification Criteria 13 December 2019. Collection method: clinical testing. Allele origin: germline.

Labcorp Genetics (formerly Invitae), Labcorp
Classification: Uncertain significance for Dilated cardiomyopathy 1G; Autosomal recessive limb-girdle muscular dystrophy type 2J. Last evaluated: 2017-02-21. Review status: criteria provided, single submitter. Criteria: Invitae Variant Classification Sherloc (09022015). Collection method: clinical testing. Allele origin: germline.

Biesecker Lab/Clinical Genomics Section, National Institutes of Health
Classification: Uncertain significance. Last evaluated: 2013-06-24. Review status: criteria provided, single submitter. Criteria: Ng et al. (Circ Cardiovasc Genet. 2013). Collection method: research. Allele origin: unknown. Observed: 1 variant allele. Study: ClinSeq.
Comment: The study set was not selected for affection status in relation to any cancer. Pathogenicity categories were based on literature curation. See Pubmed ID:23861362 for details.

Medical sequencing

Literature cited by the submitters: PubMed 23861362 (cited by 3 submitters); PubMed 31983221 (cited by Athena Diagnostics); PubMed 37926714 (cited by Athena Diagnostics).

NM_001267550.2(TTN):c.2358C>G (p.His786Gln)

Gene: TTN (titin; minus strand). Cytogenetic location: 2q31.2.
Variant type: single nucleotide variant.
Coding change: c.2358C>G on transcript NM_001267550.2 (MANE Select); coding-DNA position 2358, C replaced by G.
Protein change: p.His786Gln; replaces histidine 786 with glutamine.
Molecular consequence: missense variant.
Genome position (GRCh38, 1-based): chr2:178,785,860, G>C on the plus strand (C>G on the coding strand, the complement: TTN is on the minus strand). VCF-style: chr2-178785860-G-C. GRCh37 (hg19) VCF-style: chr2-179650587-G-C.
Other names: c.2358C>G, p.His786Gln (NM_133378.4, NM_001256850.1, NM_133379.5); c.2220C>G, p.His740Gln (NM_003319.4, NM_133432.3, NM_133437.4); c.2358C>G (NM_001267550.1); short protein forms H786Q, H740Q.
Identifiers: ClinVar variation 192094 (VCV000192094.18), dbSNP rs199507913, ClinGen allele CA238324.